The following is an entry in ClinVar:

NM_001098671.2(RASGRP2):c.1133A>T (p.Tyr378Phe)

Gene: RASGRP2 (RAS guanyl releasing protein 2; minus strand). Cytogenetic location: 11q13.1.
Variant type: single nucleotide variant.
Coding change: c.1133A>T on transcript NM_001098671.2 (MANE Select); coding-DNA position 1133, A replaced by T.
Protein change: p.Tyr378Phe; replaces tyrosine 378 with phenylalanine.
Molecular consequence: missense variant.
Genome position (GRCh38, 1-based): chr11:64,735,943, T>A on the plus strand (A>T on the coding strand, the complement: RASGRP2 is on the minus strand). VCF-style: chr11-64735943-T-A. GRCh37 (hg19) VCF-style: chr11-64503415-T-A.
Other names: c.1133A>T, p.Tyr378Phe (NM_001098670.2, NM_153819.2); c.698A>T, p.Tyr233Phe (NM_001318398.2); short protein forms Y233F, Y378F.
Identifiers: ClinVar variation 3063794 (VCV003063794.1), dbSNP rs2496504835, ClinGen allele CA381138630.

ClinVar aggregate classification (germline): Uncertain significance (1 of 4 stars; one submission).

Allele frequency attached by ClinVar (database versions not stated): gnomAD exomes below 0.00001.
gnomAD v4.1: 1 of 1,614,002 alleles (0.000062%); highest among the groups gnomAD compares: Admixed American, 0.0017%; no homozygotes.

Submission:

Women's Health and Genetics/Laboratory Corporation of America, LabCorp
Classification: Uncertain significance. Last evaluated: 2024-01-05. Review status: criteria provided, single submitter. Criteria: LabCorp Variant Classification Summary - May 2015. Collection method: clinical testing. Allele origin: germline.
Comment: Variant summary: RASGRP2 c.1133A>T (p.Tyr378Phe) results in a conservative amino acid change located in the Ras guanine-nucleotide exchange factors catalytic domain (IPR001895) of the encoded protein sequence. Three of five in-silico tools predict a damaging effect of the variant on protein function. The variant was absent in 250892 control chromosomes. The available data on variant occurrences in the general population are insufficient to allow any conclusion about variant significance. To our knowledge, no occurrence of c.1133A>T in individuals affected with Platelet-Type Bleeding Disorder 18 and no experimental evidence demonstrating its impact on protein function have been reported. No submitters have cited clinical-significance assessments for this variant to ClinVar. Based on the evidence outlined above, the variant was classified as uncertain significance.